The following is an entry in ClinVar:

NM_003200.5(TCF3):c.538C>T (p.Leu180Phe)

Gene: TCF3 (transcription factor 3; minus strand). Cytogenetic location: 19p13.3.
Variant type: single nucleotide variant.
Coding change: c.538C>T on transcript NM_003200.5 (MANE Select); coding-DNA position 538, C replaced by T.
Protein change: p.Leu180Phe; replaces leucine 180 with phenylalanine.
Molecular consequence: missense variant.
Genome position (GRCh38, 1-based): chr19:1,623,962, G>A on the plus strand (C>T on the coding strand, the complement: TCF3 is on the minus strand). VCF-style: chr19-1623962-G-A. GRCh37 (hg19) VCF-style: chr19-1623961-G-A.
Other names: c.538C>T, p.Leu180Phe (NM_001136139.4, NM_001351778.2, NM_001351779.2); short protein forms L180F.
Identifiers: ClinVar variation 2101876 (VCV002101876.4), dbSNP rs2513767818, ClinGen allele CA403056280.
Genomic context (GRCh38, chr19:1,623,962, plus strand): 5'-GCACTGCCACTGACGAGCTGTGGGGTCCCTTCTCCCTCGTGCGACTCACCGAGGATGGAA[G>A]ACCCGGCGGGACCTTCCGGACCTTCTTGGGCTGCGTGTCTGTTAGAAGCAAAAGGGGTGA-3'
Protein context (NP_003191.1, residues 170-190): PKKVRKVPPG[Leu180Phe]PSSVYPPSSG

ClinVar aggregate classification (germline): Uncertain significance (1 of 4 stars; one submission).

gnomAD v4.1: 8 of 1,613,546 alleles (0.0005%); highest among the groups gnomAD compares: East Asian, 0.0045%; no homozygotes.

Submission:

Labcorp Genetics (formerly Invitae), Labcorp
Classification: Uncertain significance. Last evaluated: 2022-07-27. Review status: criteria provided, single submitter. Criteria: Invitae Variant Classification Sherloc (09022015). Collection method: clinical testing. Allele origin: germline.
Comment: In summary, the available evidence is currently insufficient to determine the role of this variant in disease. Therefore, it has been classified as a Variant of Uncertain Significance. Algorithms developed to predict the effect of missense changes on protein structure and function are either unavailable or do not agree on the potential impact of this missense change (SIFT: "Not Available"; PolyPhen-2: "Probably Damaging"; Align-GVGD: "Not Available"). This variant has not been reported in the literature in individuals affected with TCF3-related conditions. This variant is not present in population databases (gnomAD no frequency). This sequence change replaces leucine, which is neutral and non-polar, with phenylalanine, which is neutral and non-polar, at codon 180 of the TCF3 protein (p.Leu180Phe).